The following is an entry in ClinVar:

ClinVar aggregate classification (germline): Conflicting classifications of pathogenicity. Review status: criteria provided, conflicting classifications (1 of 4 stars). 6 submissions from 6 submitters: Uncertain significance (4); Likely benign (1). 1 of the submissions does not count toward it. Last evaluated 2025-09-02.

Conditions:
Hereditary cancer-predisposing syndrome. Also called: Tumor predisposition; Hereditary Cancer Syndrome; Neoplastic Syndromes, Hereditary; Hereditary neoplastic syndrome. Identifiers: Orphanet 140162, MedGen C0027672, MeSH D009386, MONDO:0015356.
Ataxia-telangiectasia syndrome (AT). Also called: Cerebello-oculocutaneous telangiectasia; Immunodeficiency with ataxia telangiectasia; Ataxia-telangiectasia, complementation group D; AT, COMPLEMENTATION GROUP C; Ataxia-telangiectasia, complementation group E; LOUIS-BAR SYNDROME. Identifiers: Orphanet 100, MedGen C0004135, MONDO:0008840, OMIM 208900.

Allele frequency attached by ClinVar (database versions not stated): gnomAD exomes below 0.00001.
gnomAD v4.1: 4 of 1,614,120 alleles (0.00025%); highest among the groups gnomAD compares: Non-Finnish European, 0.00034%; no homozygotes.

Submissions (6):

Women's Health and Genetics/Laboratory Corporation of America, LabCorp
Classification: Uncertain significance. Last evaluated: 2025-09-02. Review status: criteria provided, single submitter. Criteria: LabCorp Variant Classification Summary - May 2015. Collection method: clinical testing. Allele origin: germline.

GeneDx
Classification: Uncertain significance. Last evaluated: 2025-07-28. Review status: criteria provided, single submitter. Criteria: GeneDx Variant Classification Process June 2021. Collection method: clinical testing. Allele origin: germline. Affected: yes.
Comment: Not observed at significant frequency in large population cohorts (gnomAD); In silico analysis suggests that this missense variant does not alter protein structure/function; Has not been previously published as pathogenic or benign to our knowledge

Labcorp Genetics (formerly Invitae), Labcorp
Classification: Uncertain significance for Ataxia-telangiectasia syndrome. Last evaluated: 2024-10-23. Review status: criteria provided, single submitter. Criteria: Invitae Variant Classification Sherloc (09022015). Collection method: clinical testing. Allele origin: germline.
Comment: This sequence change replaces threonine, which is neutral and polar, with alanine, which is neutral and non-polar, at codon 1884 of the ATM protein (p.Thr1884Ala). This variant is not present in population databases (gnomAD no frequency). This variant has not been reported in the literature in individuals affected with ATM-related conditions. ClinVar contains an entry for this variant (Variation ID: 453594). Invitae Evidence Modeling of protein sequence and biophysical properties (such as structural, functional, and spatial information, amino acid conservation, physicochemical variation, residue mobility, and thermodynamic stability) indicates that this missense variant is not expected to disrupt ATM protein function with a negative predictive value of 95%. In summary, the available evidence is currently insufficient to determine the role of this variant in disease. Therefore, it has been classified as a Variant of Uncertain Significance.

Color Diagnostics, LLC DBA Color Health
Classification: Uncertain significance for Hereditary cancer-predisposing syndrome. Last evaluated: 2023-04-24. Review status: criteria provided, single submitter. Criteria: ACMG Guidelines, 2015. Collection method: clinical testing. Allele origin: germline.
Comment: This missense variant replaces threonine with alanine at codon 1884 of the ATM protein. Computational prediction suggests that this variant may not impact protein structure and function (internally defined REVEL score threshold <= 0.5, PMID: 27666373). To our knowledge, functional studies have not been reported for this variant. This variant has not been reported in individuals affected with ATM-related disorders in the literature. This variant has not been identified in the general population by the Genome Aggregation Database (gnomAD). The available evidence is insufficient to determine the role of this variant in disease conclusively. Therefore, this variant is classified as a Variant of Uncertain Significance.

Ambry Genetics
Classification: Likely benign for Hereditary cancer-predisposing syndrome. Last evaluated: 2022-11-23. Review status: criteria provided, single submitter. Criteria: Ambry Variant Classification Scheme 2023. Collection method: clinical testing. Allele origin: germline.

Natera, Inc.
Classification: Uncertain significance for Ataxia-telangiectasia. Last evaluated: 2020-08-24. Review status: no assertion criteria provided. Collection method: clinical testing. Allele origin: germline. Not counted in ClinVar's aggregate classification.

NM_000051.4(ATM):c.5650A>G (p.Thr1884Ala)

Gene: ATM (ATM serine/threonine kinase; plus strand). Cytogenetic location: 11q22.3.
Variant type: single nucleotide variant.
Coding change: c.5650A>G on transcript NM_000051.4 (MANE Select); coding-DNA position 5650, A replaced by G.
Protein change: p.Thr1884Ala; replaces threonine 1884 with alanine.
Molecular consequence: missense variant.
Genome position (GRCh38, 1-based): chr11:108,304,828, A>G. VCF-style: chr11-108304828-A-G. GRCh37 (hg19) VCF-style: chr11-108175555-A-G.
Other names: c.5650A>G, p.Thr1884Ala (NM_001351834.2); short protein forms T1884A.
Identifiers: ClinVar variation 453594 (VCV000453594.22), dbSNP rs1555107562, ClinGen allele CA382546491.